The following is an entry in ClinVar:

NM_003119.4(SPG7):c.1622A>G (p.His541Arg)

Gene: SPG7 (SPG7 matrix AAA peptidase subunit, paraplegin; plus strand). Cytogenetic location: 16q24.3.
Variant type: single nucleotide variant.
Coding change: c.1622A>G on transcript NM_003119.4 (MANE Select); coding-DNA position 1622, A replaced by G.
Protein change: p.His541Arg; replaces histidine 541 with arginine.
Molecular consequence: missense variant.
Genome position (GRCh38, 1-based): chr16:89,548,072, A>G. VCF-style: chr16-89548072-A-G. GRCh37 (hg19) VCF-style: chr16-89614480-A-G.
Other names: c.1622A>G, p.His541Arg (NM_001363850.1); short protein forms H541R.
Identifiers: ClinVar variation 2101180 (VCV002101180.4), dbSNP rs2543831002, ClinGen allele CA397427968.

ClinVar aggregate classification (germline): Uncertain significance (1 of 4 stars; one submission).

Conditions:
Hereditary spastic paraplegia 7 (SPG7). Also called: Spastic paraplegia 7; Hereditary spastic paraplegia Paraplegin type; SPG7-related neurologic disorder; SPASTIC PARAPLEGIA 7, AUTOSOMAL RECESSIVE, WITH OR WITHOUT CEREBELLAR ATAXIA; Autosomal recessive spastic paraplegia type 7. Identifiers: Orphanet 99013, MedGen C1846564, MONDO:0011803, OMIM 607259.

Allele frequency attached by ClinVar (database versions not stated): gnomAD exomes below 0.00001.
gnomAD v4.1: 1 of 1,610,324 alleles (0.000062%); highest among the groups gnomAD compares: Non-Finnish European, 0.000085%; no homozygotes.

Submission:

Labcorp Genetics (formerly Invitae), Labcorp
Classification: Uncertain significance for Hereditary spastic paraplegia 7. Last evaluated: 2023-08-10. Review status: criteria provided, single submitter. Criteria: Invitae Variant Classification Sherloc (09022015). Collection method: clinical testing. Allele origin: germline.
Comment: ClinVar contains an entry for this variant (Variation ID: 2101180). This variant has not been reported in the literature in individuals affected with SPG7-related conditions. This variant is not present in population databases (gnomAD no frequency). This sequence change replaces histidine, which is basic and polar, with arginine, which is basic and polar, at codon 541 of the SPG7 protein (p.His541Arg). Advanced modeling of protein sequence and biophysical properties (such as structural, functional, and spatial information, amino acid conservation, physicochemical variation, residue mobility, and thermodynamic stability) performed at Invitae indicates that this missense variant is not expected to disrupt SPG7 protein function. In summary, the available evidence is currently insufficient to determine the role of this variant in disease. Therefore, it has been classified as a Variant of Uncertain Significance.